The following is an entry in ClinVar:

ClinVar aggregate classification (germline): Pathogenic (1 of 4 stars; one submission).

Submission:

Labcorp Genetics (formerly Invitae), Labcorp
Classification: Pathogenic. Last evaluated: 2022-05-31. Review status: criteria provided, single submitter. Criteria: Invitae Variant Classification Sherloc (09022015). Collection method: clinical testing. Allele origin: germline.
Comment: For these reasons, this variant has been classified as Pathogenic. This variant has not been reported in the literature in individuals affected with PHEX-related conditions. This variant is not present in population databases (gnomAD no frequency). This sequence change creates a premature translational stop signal (p.Leu138Hisfs*4) in the PHEX gene. It is expected to result in an absent or disrupted protein product. Loss-of-function variants in PHEX are known to be pathogenic (PMID: 9097956, 9106524, 19219621).

Literature cited by the submitters: PubMed 9097956; PubMed 9106524; PubMed 19219621.

NM_000444.6(PHEX):c.411_417del (p.Leu138fs)

Gene: PHEX (phosphate regulating endopeptidase X-linked; plus strand). Cytogenetic location: Xp22.11.
Variant type: Deletion.
Coding change: c.411_417del on transcript NM_000444.6 (MANE Select); coding-DNA positions 411 to 417, 7 bases deleted (CCTTTAT; older notation c.411_417delCCTTTAT).
Protein change: p.Leu138fs; shifts the reading frame from leucine 138.
Molecular consequence: frameshift variant.
Genome position (GRCh38, 1-based): chrX:22,076,449-22,076,455, CCTTTAT deleted; deleting any 7 consecutive bases within chrX:22,076,447-22,076,455 gives the same sequence; the c. name uses the placement nearest the transcript's 3' end. VCF-style (leftmost placement, unchanged base first): chrX-22076446-AATCCTTT-A. GRCh37 (hg19) VCF-style: chrX-22094564-AATCCTTT-A.
Other names: c.411_417del, p.Leu138fs (NM_001282754.2); short protein forms L138fs.
Identifiers: ClinVar variation 2001434 (VCV002001434.4), dbSNP rs2519752779, ClinGen allele CA2580100460.
Genomic context (GRCh38, chrX:22,076,446, plus strand): 5'-AGAACTTTTGGAGAAATCAATCAGTAGAAGGCGGGACACCGAAGCCATACAGAAAGCCAA[AATCCTTT>A]ATTCATCCTGCATGAATGAGAGTGAGTGATGAAGAAAACTAAATAAAATATTTACCATCC-3'